The following is an entry in ClinVar:

ClinVar aggregate classification (germline): Uncertain significance (1 of 4 stars; one submission).

Conditions:
Developmental and epileptic encephalopathy, 34 (DEE34). Also called: Early infantile epileptic encephalopathy 34; SLC12A5-Related Epilepsy of Infancy with Migrating Focal Seizures. Identifiers: Orphanet 293181, MedGen C4225257, MONDO:0014718, OMIM 616645.

Submission:

Labcorp Genetics (formerly Invitae), Labcorp
Classification: Uncertain significance for Developmental and epileptic encephalopathy, 34. Last evaluated: 2019-09-08. Review status: criteria provided, single submitter. Criteria: Invitae Variant Classification Sherloc (09022015). Collection method: clinical testing. Allele origin: germline.
Comment: In summary, the available evidence is currently insufficient to determine the role of this variant in disease. Therefore, it has been classified as a Variant of Uncertain Significance. Algorithms developed to predict the effect of missense changes on protein structure and function are either unavailable or do not agree on the potential impact of this missense change (SIFT: "Tolerated"; PolyPhen-2: "Possibly Damaging"; Align-GVGD: "Class C0"). This variant has not been reported in the literature in individuals with SLC12A5-related conditions. This variant is not present in population databases (ExAC no frequency). This sequence change replaces isoleucine with threonine at codon 29 of the SLC12A5 protein (p.Ile29Thr). The isoleucine residue is moderately conserved and there is a moderate physicochemical difference between isoleucine and threonine.

NM_020708.5(SLC12A5):c.86T>C (p.Ile29Thr)

Gene: SLC12A5 (solute carrier family 12 member 5; plus strand). Cytogenetic location: 20q13.12.
Variant type: single nucleotide variant.
Coding change: c.86T>C on transcript NM_020708.5 (MANE Select); coding-DNA position 86, T replaced by C.
Protein change: p.Ile29Thr; replaces isoleucine 29 with threonine.
Molecular consequence: missense variant.
Genome position (GRCh38, 1-based): chr20:46,034,981, T>C. VCF-style: chr20-46034981-T-C. GRCh37 (hg19) VCF-style: chr20-44663620-T-C.
Other names: c.155T>C, p.Ile52Thr (NM_001134771.2); short protein forms I52T, I29T.
Identifiers: ClinVar variation 960385 (VCV000960385.10), dbSNP rs2084484090, ClinGen allele CA409186919.